The following is an entry in ClinVar:

ClinVar aggregate classification (germline): Uncertain significance (1 of 4 stars; one submission).

gnomAD v4.1: 24 of 1,590,468 alleles (0.0015%); highest among the groups gnomAD compares: Middle Eastern, 0.017%; no homozygotes.

Submission:

Labcorp Genetics (formerly Invitae), Labcorp
Classification: Uncertain significance. Last evaluated: 2025-03-10. Review status: criteria provided, single submitter. Criteria: Invitae Variant Classification Sherloc (09022015). Collection method: clinical testing. Allele origin: germline.
Comment: This sequence change replaces serine, which is neutral and polar, with phenylalanine, which is neutral and non-polar, at codon 45 of the RSPO2 protein (p.Ser45Phe). This variant is present in population databases (rs766437369, gnomAD 0.01%). This variant has not been reported in the literature in individuals affected with RSPO2-related conditions. Invitae Evidence Modeling of protein sequence and biophysical properties (such as structural, functional, and spatial information, amino acid conservation, physicochemical variation, residue mobility, and thermodynamic stability) indicates that this missense variant is not expected to disrupt RSPO2 protein function with a negative predictive value of 80%. Algorithms developed to predict the effect of sequence changes on RNA splicing suggest that this variant may create or strengthen a splice site. In summary, the available evidence is currently insufficient to determine the role of this variant in disease. Therefore, it has been classified as a Variant of Uncertain Significance.

NM_178565.5(RSPO2):c.134C>T (p.Ser45Phe)

Gene: RSPO2 (R-spondin 2; minus strand). Cytogenetic location: 8q23.1.
Variant type: single nucleotide variant.
Coding change: c.134C>T on transcript NM_178565.5 (MANE Select); coding-DNA position 134, C replaced by T.
Protein change: p.Ser45Phe; replaces serine 45 with phenylalanine.
Molecular consequence: missense variant. On other transcripts: 5 prime UTR variant (1), intron variant (1).
Genome position (GRCh38, 1-based): chr8:107,989,205, G>A on the plus strand (C>T on the coding strand, the complement: RSPO2 is on the minus strand). VCF-style: chr8-107989205-G-A. GRCh37 (hg19) VCF-style: chr8-109001433-G-A.
Other names: c.-68C>T (NM_001317942.2); c.95-28388C>T (NM_001282863.2); short protein forms S45F.
Identifiers: ClinVar variation 4754224 (VCV004754224.1).